The following is an entry in ClinVar:

NM_000204.5(CFI):c.1019T>C (p.Ile340Thr)

Gene: CFI (complement factor I; minus strand). Cytogenetic location: 4q25.
Variant type: single nucleotide variant.
Coding change: c.1019T>C on transcript NM_000204.5 (MANE Select); coding-DNA position 1019, T replaced by C.
Protein change: p.Ile340Thr; replaces isoleucine 340 with threonine.
Molecular consequence: missense variant. On other transcripts: non-coding transcript variant (3).
Genome position (GRCh38, 1-based): chr4:109,749,524, A>G on the plus strand (T>C on the coding strand, the complement: CFI is on the minus strand). VCF-style: chr4-109749524-A-G. GRCh37 (hg19) VCF-style: chr4-110670680-A-G.
Other names: p.Ile340Thr; c.1019T>C (NM_000204.4); c.1043T>C, p.Ile348Thr (NM_001318057.2, NM_001375278.1); c.998T>C, p.Ile333Thr (NM_001331035.2, NM_001375280.1, NM_001375282.1); c.1019T>C, p.Ile340Thr (NM_001375279.1, NM_001375281.1); c.962T>C, p.Ile321Thr (NM_001375283.1); c.410T>C, p.Ile137Thr (NM_001375284.1); short protein forms I333T, I321T, I340T, I348T, I137T.
Identifiers: ClinVar variation 1449003 (VCV001449003.12), dbSNP rs769419740, ClinGen allele CA3042048.

ClinVar aggregate classification (germline): Conflicting classifications of pathogenicity. Review status: criteria provided, conflicting classifications (1 of 4 stars). 7 submissions from 7 submitters: Pathogenic (2); Likely pathogenic (4); Uncertain significance (1). Last evaluated 2025-10-23.

Conditions:
Atypical hemolytic-uremic syndrome with I factor anomaly. Also called: HEMOLYTIC UREMIC SYNDROME, ATYPICAL, SUSCEPTIBILITY TO, 3; AHUS, SUSCEPTIBILITY TO, 3. Identifiers: Orphanet 2134, MedGen C2752039, MONDO:0013041, OMIM 612923.
Age related macular degeneration 13. Identifiers: MedGen C3809523, MONDO:0014189, OMIM 615439.
Factor I deficiency (CFID). Also called: Complement factor I deficiency. Identifiers: Orphanet 200418, MedGen C3463916, MONDO:0012594, OMIM 610984.
CFI-related disorder. Also called: CFI-related condition; CFI-related disorders. Identifiers: MedGen CN239325.

Allele frequency attached by ClinVar (database versions not stated): ExAC 0.00004; TOPMed 0.00005; gnomAD 0.00007; gnomAD exomes 0.00007.
gnomAD v4.1: 171 of 1,613,494 alleles (0.011%); highest among the groups gnomAD compares: Non-Finnish European, 0.013%; no homozygotes.

Submissions (7):

Labcorp Genetics (formerly Invitae), Labcorp
Classification: Uncertain significance. Last evaluated: 2025-10-23. Review status: criteria provided, single submitter. Criteria: Invitae Variant Classification Sherloc (09022015). Collection method: clinical testing. Allele origin: germline.
Comment: This sequence change replaces isoleucine, which is neutral and non-polar, with threonine, which is neutral and polar, at codon 340 of the CFI protein (p.Ile340Thr). This variant is present in population databases (rs769419740, gnomAD 0.04%). This missense change has been observed in individual(s) with CFI-related conditions (PMID: 17106690, 20106822, 22410797, 24142231, 27268256, 31440263, 32098865, 37369098). This variant is also known as Ile322Thr. ClinVar contains an entry for this variant (Variation ID: 1449003). Invitae Evidence Modeling of protein sequence and biophysical properties (such as structural, functional, and spatial information, amino acid conservation, physicochemical variation, residue mobility, and thermodynamic stability) has been performed for this missense variant. However, the output from this modeling did not meet the statistical confidence thresholds required to predict the impact of this variant on CFI protein function. Experimental studies have shown that this missense change affects CFI function (PMID: 17597211, 35069568, 36643920, 37954579). In summary, the available evidence is currently insufficient to determine the role of this variant in disease. Therefore, it has been classified as a Variant of Uncertain Significance.

Genomenon, Inc
Classification: Pathogenic for CFI-related disorder. Last evaluated: 2025-09-26. Review status: criteria provided, single submitter. Criteria: Genomenon Sequence Variant Interpretation Standards - Updated. Collection method: curation. Allele origin: germline. Affected: yes.
Comment: CFI p.Ile340Thr (c.1019T>C) is a missense variant that changes the amino acid at residue 340 from Isoleucine to Threonine. This variant has been observed in at least one proband affected with a CFI-related disorder (PMID:37954579;26880462;17106690;20106822;23431077;27268256;22410797;28596415;30890598;38134378;32098865;24142231;32853637). It has been observed in trans with a pathogenic/likely pathogenic variant (PMID:38134378;32098865;24142231). At least one functional study has demonstrated a substantial alteration in protein function relative to the wild-type (PMID:36643920;37954579;35069568;17597211). It is absent or not present at a significant frequency in gnomAD. In silico models agree that this variant is possibly or probably damaging. In conclusion, we classify CFI p.Ile340Thr (c.1019T>C) as a pathogenic variant.

Mayo Clinic Laboratories, Mayo Clinic
Classification: Likely pathogenic. Last evaluated: 2025-07-07. Review status: criteria provided, single submitter. Criteria: ACMG Guidelines, 2015. Collection method: clinical testing. Allele origin: germline. Observed: 1 variant allele.
Comment: PP3, PM3_strong, PS3_moderate, PS4_moderate

Blueprint Genetics
Classification: Pathogenic for CFI-related disorders. Last evaluated: 2024-09-30. Review status: criteria provided, single submitter. Criteria: ACMG Guidelines, 2015. Collection method: clinical testing. Allele origin: germline. Affected: yes. Observed: 5 variant alleles.

Fulgent Genetics
Classification: Likely pathogenic for Factor I deficiency; Atypical hemolytic-uremic syndrome with I factor anomaly; Age related macular degeneration 13. Last evaluated: 2024-04-08. Review status: criteria provided, single submitter. Criteria: ACMG Guidelines, 2015. Collection method: clinical testing. Allele origin: germline.

Women's Health and Genetics/Laboratory Corporation of America, LabCorp
Classification: Likely pathogenic for Factor I deficiency. Last evaluated: 2023-12-20. Review status: criteria provided, single submitter. Criteria: LabCorp Variant Classification Summary - May 2015. Collection method: clinical testing. Allele origin: germline.
Comment: Variant summary: CFI c.1019T>C (p.Ile340Thr) results in a non-conservative amino acid change located in the Serine proteases, trypsin domain (IPR001254) of the encoded protein sequence. Four of five in-silico tools predict a damaging effect of the variant on protein function. The variant allele was found at a frequency of 0.00011 in 1613494 control chromosomes (i.e., 171 alleles, no homozygotes; gnomAD v4). This frequency is not significantly higher than estimated for a pathogenic variant in CFI causing Complement Factor I Deficiency (0.00011 vs 0.0011), allowing no conclusion about variant significance. c.1019T>C has been reported in the literature in at least two compound heterozygous individuals affected with Complement Factor I Deficiency (e.g., Haerynck_2013, Altmann_2020) as well as heterozygous individuals affected with atypical hemolytic uremic syndrome (e.g., Geelen_2007, LeQuintrec_2008, Westra_2010, Geerdink_2012, Seddon_2013, Gleeson_2016, Sissy_2019) and age-related macular degeneration (e.g., Geerlings_2018). These data indicate that the variant is likely to be associated with autosomal recessive disease and may also be associated with autosomal dominant disease, although potentially with reduced penetrance given the number of heterozygotes in the gnomAD control population. Several publications report experimental evidence evaluating an impact on protein function, consistently finding that the variant results in <10% of normal cofactor activity (e.g., Kavanagh_2008, Gerogianni_2023, deJong_2021). The following publications have been ascertained in the context of this evaluation (PMID: 17106690, 18557729, 17597211, 20106822, 22410797, 24036952, 24142231, 27268256, 31440263, 29888403, 37954579, 32098865, 32510551, 35069568). One submitter has reported clinical-significance assessments for this variant to ClinVar after 2014 and has classified the variant as uncertain significance. Based on the evidence outlined above, the variant was classified as likely pathogenic.

Department of Pathology and Laboratory Medicine, Sinai Health System
Classification: Likely pathogenic for Atypical hemolytic-uremic syndrome with I factor anomaly; Factor I deficiency. Last evaluated: 2022-07-04. Review status: criteria provided, single submitter. Criteria: ACMG Guidelines, 2015. Collection method: research. Allele origin: germline.

Literature cited by the submitters: PubMed 17106690 (cited by 3 submitters); PubMed 20106822 (cited by Labcorp Genetics (formerly Invitae), Labcorp and Women's Health and Genetics/Laboratory Corporation of America, LabCorp); PubMed 22410797 (cited by 3 submitters); PubMed 24142231 (cited by 3 submitters); PubMed 27268256 (cited by Labcorp Genetics (formerly Invitae), Labcorp and Women's Health and Genetics/Laboratory Corporation of America, LabCorp); PubMed 31440263 (cited by Labcorp Genetics (formerly Invitae), Labcorp and Women's Health and Genetics/Laboratory Corporation of America, LabCorp); PubMed 32098865 (cited by 3 submitters); PubMed 37369098 (cited by Labcorp Genetics (formerly Invitae), Labcorp and Mayo Clinic Laboratories, Mayo Clinic); PubMed 17597211 (cited by 3 submitters); PubMed 35069568 (cited by 3 submitters); PubMed 36643920 (cited by Labcorp Genetics (formerly Invitae), Labcorp); PubMed 37954579 (cited by 3 submitters); 26880462 (cited by Genomenon, Inc); 17106690 (cited by Genomenon, Inc); 20106822 (cited by Genomenon, Inc); 23431077 (cited by Genomenon, Inc); 27268256 (cited by Genomenon, Inc); 22410797 (cited by Genomenon, Inc); 28596415 (cited by Genomenon, Inc); 30890598 (cited by Genomenon, Inc); 38134378 (cited by Genomenon, Inc); 32098865 (cited by Genomenon, Inc); 24142231 (cited by Genomenon, Inc); 32853637 (cited by Genomenon, Inc); 36643920 (cited by Genomenon, Inc); 35069568 (cited by Genomenon, Inc); 17597211 (cited by Genomenon, Inc); PubMed 18557729 (cited by Mayo Clinic Laboratories, Mayo Clinic and Women's Health and Genetics/Laboratory Corporation of America, LabCorp); PubMed 24036952 (cited by Mayo Clinic Laboratories, Mayo Clinic and Women's Health and Genetics/Laboratory Corporation of America, LabCorp); PubMed 29888403 (cited by Mayo Clinic Laboratories, Mayo Clinic and Women's Health and Genetics/Laboratory Corporation of America, LabCorp); PubMed 32510551 (cited by Mayo Clinic Laboratories, Mayo Clinic and Women's Health and Genetics/Laboratory Corporation of America, LabCorp); PubMed 32853637 (cited by Mayo Clinic Laboratories, Mayo Clinic); PubMed 38852887 (cited by Mayo Clinic Laboratories, Mayo Clinic).